The following is an entry in ClinVar:

ClinVar aggregate classification (germline): Uncertain significance. Review status: criteria provided, multiple submitters, no conflicts (2 of 4 stars). 3 submissions from 3 submitters: Uncertain significance (3). Last evaluated 2024-09-17.

Conditions:
Nephronophthisis 15 (NPHP15). Identifiers: Orphanet 3156, MedGen C3541853, MONDO:0013917, OMIM 614845.

Allele frequency attached by ClinVar (database versions not stated): ESP Exome Variant Server 0.00008; gnomAD exomes 0.00009; TOPMed 0.00009; ExAC 0.00011; gnomAD 0.00011 and 0.00012.
gnomAD v4.1: 144 of 1,613,178 alleles (0.0089%); highest among the groups gnomAD compares: Middle Eastern, 0.016%; no homozygotes.

Submissions (3):

Blueprint Genetics
Classification: Uncertain significance. Last evaluated: 2024-09-17. Review status: criteria provided, single submitter. Criteria: ACMG Guidelines, 2015. Collection method: clinical testing. Allele origin: germline.

Labcorp Genetics (formerly Invitae), Labcorp
Classification: Uncertain significance for Nephronophthisis 15. Last evaluated: 2023-11-14. Review status: criteria provided, single submitter. Criteria: Invitae Variant Classification Sherloc (09022015). Collection method: clinical testing. Allele origin: germline.
Comment: This sequence change replaces proline, which is neutral and non-polar, with leucine, which is neutral and non-polar, at codon 1377 of the CEP164 protein (p.Pro1377Leu). This variant is present in population databases (rs146456836, gnomAD 0.02%). This missense change has been observed in individual(s) with clinical features of inherited retinal dystrophy (PMID: 32483926). ClinVar contains an entry for this variant (Variation ID: 1055144). Advanced modeling of protein sequence and biophysical properties (such as structural, functional, and spatial information, amino acid conservation, physicochemical variation, residue mobility, and thermodynamic stability) performed at Invitae indicates that this missense variant is not expected to disrupt CEP164 protein function with a negative predictive value of 80%. In summary, the available evidence is currently insufficient to determine the role of this variant in disease. Therefore, it has been classified as a Variant of Uncertain Significance.

Fulgent Genetics
Classification: Uncertain significance for Nephronophthisis 15. Last evaluated: 2022-04-05. Review status: criteria provided, single submitter. Criteria: ACMG Guidelines, 2015. Collection method: clinical testing. Allele origin: unknown.

Literature cited by the submitters: PubMed 32483926 (cited by Labcorp Genetics (formerly Invitae), Labcorp).

NM_014956.5(CEP164):c.4130C>T (p.Pro1377Leu)

Gene: CEP164 (centrosomal protein 164; plus strand). Cytogenetic location: 11q23.3.
Variant type: single nucleotide variant.
Coding change: c.4130C>T on transcript NM_014956.5 (MANE Select); coding-DNA position 4130, C replaced by T.
Protein change: p.Pro1377Leu; replaces proline 1377 with leucine.
Molecular consequence: missense variant.
Genome position (GRCh38, 1-based): chr11:117,410,861, C>T. VCF-style: chr11-117410861-C-T. GRCh37 (hg19) VCF-style: chr11-117281577-C-T.
Other names: c.4115C>T, p.Pro1372Leu (NM_001271933.2); short protein forms P1372L, P1377L.
Identifiers: ClinVar variation 1055144 (VCV001055144.7), dbSNP rs146456836, ClinGen allele CA6295715.